The following is an entry in ClinVar:

ClinVar aggregate classification (germline): Likely benign. Review status: criteria provided, multiple submitters, no conflicts (2 of 4 stars). 2 submissions from 2 submitters: Likely benign (2). Last evaluated 2026-01-04.

Conditions:
POLD1-related polyposis and colorectal cancer syndrome (CRCS10). Also called: Colorectal cancer 10; COLORECTAL CANCER, SUSCEPTIBILITY TO, ON CHROMOSOME 19q; Colorectal cancer, susceptibility to, 10. Identifiers: Orphanet 220460, MedGen C2675481, MONDO:0012953, OMIM 612591.

Allele frequency attached by ClinVar (database versions not stated): gnomAD exomes below 0.00001 and 0.00001; gnomAD 0.00001; TOPMed 0.00001; ExAC 0.00002.
gnomAD v4.1: 4 of 1,582,488 alleles (0.00025%); highest among the groups gnomAD compares: Non-Finnish European, 0.000086%; no homozygotes.

Submissions (2):

Labcorp Genetics (formerly Invitae), Labcorp
Classification: Likely benign for POLD1-related polyposis and colorectal cancer syndrome. Last evaluated: 2026-01-04. Review status: criteria provided, single submitter. Criteria: Invitae Variant Classification Sherloc (09022015). Collection method: clinical testing. Allele origin: germline.

GeneDx
Classification: Likely benign. Last evaluated: 2017-12-14. Review status: criteria provided, single submitter. Criteria: GeneDx Variant Classification (06012015). Collection method: clinical testing. Allele origin: germline. Affected: yes.
Comment: This variant is considered likely benign or benign based on one or more of the following criteria: it is a conservative change, it occurs at a poorly conserved position in the protein, it is predicted to be benign by multiple in silico algorithms, and/or has population frequency not consistent with disease.

NM_002691.4(POLD1):c.840+17G>A

Gene: POLD1 (DNA polymerase delta 1, catalytic subunit; plus strand). Cytogenetic location: 19q13.33.
Variant type: single nucleotide variant.
Coding change: c.840+17G>A on transcript NM_002691.4 (MANE Select); 17 bases into the intron after coding-DNA position 840, G replaced by A.
Molecular consequence: intron variant.
Genome position (GRCh38, 1-based): chr19:50,402,552, G>A. VCF-style: chr19-50402552-G-A. GRCh37 (hg19) VCF-style: chr19-50905809-G-A.
Other names: c.840+17G>A (NM_001256849.1, NM_001308632.1, LRG_785t2 and 1 more transcripts).
Identifiers: ClinVar variation 514171 (VCV000514171.8), dbSNP rs769242646, ClinGen allele CA9595920.